The following is an entry in ClinVar:

NM_139343.3(BIN1):c.-27C>T

Gene: BIN1 (bridging integrator 1; minus strand). Cytogenetic location: 2q14.3.
Variant type: single nucleotide variant.
Coding change: c.-27C>T on transcript NM_139343.3 (MANE Select); 27 bases upstream of the start codon, C replaced by T.
Molecular consequence: 5 prime UTR variant.
Genome position (GRCh38, 1-based): chr2:127,106,970, G>A on the plus strand (C>T on the coding strand, the complement: BIN1 is on the minus strand). VCF-style: chr2-127106970-G-A. GRCh37 (hg19) VCF-style: chr2-127864546-G-A.
Other names: c.-27C>T (NM_001320632.2, NM_001320633.2, NM_001320640.2 and 10 more transcripts).
Identifiers: ClinVar variation 262469 (VCV000262469.10), dbSNP rs11554586, ClinGen allele CA1857630.

ClinVar aggregate classification (germline): Benign. Review status: criteria provided, multiple submitters, no conflicts (2 of 4 stars). 5 submissions from 5 submitters: Benign (5). Last evaluated 2021-07-14.

Conditions:
Myopathy, centronuclear, 2 (CNM2). Also called: MYOTUBULAR MYOPATHY, AUTOSOMAL RECESSIVE. Identifiers: Orphanet 169186, MedGen CN031787, MONDO:0009709, OMIM 255200.

Allele frequency attached by ClinVar (database versions not stated): TOPMed 0.12605; 1000 Genomes Project 30x 0.09244; gnomAD exomes 0.16660 and 0.15232; ESP Exome Variant Server 0.12683; gnomAD 0.12954 and 0.13209; 1000 Genomes Project 0.09345; ExAC 0.16343.
gnomAD v4.1: 260,673 of 1,600,126 alleles (16%); highest among the groups gnomAD compares: Non-Finnish European, 18%; 22,851 homozygotes.

Submissions (5):

Genome-Nilou Lab
Classification: Benign for Myopathy, centronuclear, 2. Last evaluated: 2021-07-14. Review status: criteria provided, single submitter. Criteria: ACMG Guidelines, 2015. Collection method: clinical testing. Allele origin: germline. Affected: no.

Illumina Laboratory Services, Illumina
Classification: Benign for Myopathy, centronuclear, 2. Last evaluated: 2018-01-12. Review status: criteria provided, single submitter. Criteria: ICSL Variant Classification Criteria 13 December 2019. Collection method: clinical testing. Allele origin: germline.
Comment: This variant was observed in the ICSL laboratory as part of a predisposition screen in an ostensibly healthy population. It had not been previously curated by ICSL or reported in the Human Gene Mutation Database (HGMD: prior to June 1st, 2018), and was therefore a candidate for classification through an automated scoring system. Utilizing variant allele frequency, disease prevalence and penetrance estimates, and inheritance mode, an automated score was calculated to assess if this variant is too frequent to cause the disease. Based on the score and internal cut-off values, a variant classified as benign is not then subjected to further curation. The score for this variant resulted in a classification of benign for this disease.

GeneDx
Classification: Benign. Last evaluated: 2016-01-28. Review status: criteria provided, single submitter. Criteria: GeneDx Variant Classification (06012015). Collection method: clinical testing. Allele origin: germline. Affected: yes.
Comment: This variant is considered likely benign or benign based on one or more of the following criteria: it is a conservative change, it occurs at a poorly conserved position in the protein, it is predicted to be benign by multiple in silico algorithms, and/or has population frequency not consistent with disease.

Breakthrough Genomics
Classification: Benign. Review status: criteria provided, single submitter. Criteria: ACMG Guidelines, 2015. Collection method: not provided. Allele origin: germline. Inheritance: Autosomal recessive inheritance. Affected: yes.

PreventionGenetics, part of Exact Sciences
Classification: Benign. Review status: criteria provided, single submitter. Criteria: ACMG Guidelines, 2015. Collection method: clinical testing. Allele origin: germline.